The following is an entry in ClinVar:

NM_014956.5(CEP164):c.961C>T (p.Pro321Ser)

Gene: CEP164 (centrosomal protein 164; plus strand). Cytogenetic location: 11q23.3.
Variant type: single nucleotide variant.
Coding change: c.961C>T on transcript NM_014956.5 (MANE Select); coding-DNA position 961, C replaced by T.
Protein change: p.Pro321Ser; replaces proline 321 with serine.
Molecular consequence: missense variant.
Genome position (GRCh38, 1-based): chr11:117,371,275, C>T. VCF-style: chr11-117371275-C-T. GRCh37 (hg19) VCF-style: chr11-117241991-C-T.
Other names: c.961C>T, p.Pro321Ser (NM_001271933.2); short protein forms P321S.
Identifiers: ClinVar variation 1051823 (VCV001051823.6), dbSNP rs566379982, ClinGen allele CA229391393.

ClinVar aggregate classification (germline): Uncertain significance (1 of 4 stars; one submission).

Conditions:
Nephronophthisis 15 (NPHP15). Identifiers: Orphanet 3156, MedGen C3541853, MONDO:0013917, OMIM 614845.

Submission:

Labcorp Genetics (formerly Invitae), Labcorp
Classification: Uncertain significance for Nephronophthisis 15. Last evaluated: 2021-08-24. Review status: criteria provided, single submitter. Criteria: Invitae Variant Classification Sherloc (09022015). Collection method: clinical testing. Allele origin: germline.
Comment: This sequence change replaces proline with serine at codon 321 of the CEP164 protein (p.Pro321Ser). The proline residue is highly conserved and there is a moderate physicochemical difference between proline and serine. This variant is not present in population databases (ExAC no frequency). This variant has not been reported in the literature in individuals affected with CEP164-related conditions. Algorithms developed to predict the effect of missense changes on protein structure and function output the following: SIFT: "Deleterious"; PolyPhen-2: "Benign"; Align-GVGD: "Class C0". The serine amino acid residue is found in multiple mammalian species, which suggests that this missense change does not adversely affect protein function. In summary, the available evidence is currently insufficient to determine the role of this variant in disease. Therefore, it has been classified as a Variant of Uncertain Significance.